The following is an entry in ClinVar:

NM_001184.4(ATR):c.3642T>C (p.His1214=)

Gene: ATR (ATR checkpoint kinase; minus strand). Cytogenetic location: 3q23.
Variant type: single nucleotide variant.
Coding change: c.3642T>C on transcript NM_001184.4 (MANE Select); coding-DNA position 3642, T replaced by C.
Protein change: p.His1214=; no amino-acid change (histidine 1214 retained).
Molecular consequence: synonymous variant.
Genome position (GRCh38, 1-based): chr3:142,538,565, A>G on the plus strand (T>C on the coding strand, the complement: ATR is on the minus strand). VCF-style: chr3-142538565-A-G. GRCh37 (hg19) VCF-style: chr3-142257407-A-G.
Other names: c.3450T>C, p.His1150= (NM_001354579.2).
Identifiers: ClinVar variation 343609 (VCV000343609.38), dbSNP rs139078985, ClinGen allele CA2650045.

ClinVar aggregate classification (germline): Conflicting classifications of pathogenicity. Review status: criteria provided, conflicting classifications (1 of 4 stars). 6 submissions from 6 submitters: Uncertain significance (1); Likely benign (5). Last evaluated 2026-01-01.

Conditions:
Inborn genetic diseases. Identifiers: MedGen C0950123, MeSH D030342.
Seckel syndrome 1 (SCKL1). Also called: MICROCEPHALIC PRIMORDIAL DWARFISM I. Identifiers: Orphanet 808, MedGen C4551474, MONDO:0008869, OMIM 210600.

Allele frequency attached by ClinVar (database versions not stated): ExAC 0.00010; gnomAD 0.00011; gnomAD exomes 0.00012 and 0.00014; TOPMed 0.00012; ESP Exome Variant Server 0.00015.
gnomAD v4.1: 215 of 1,613,496 alleles (0.013%); highest among the groups gnomAD compares: Admixed American, 0.02%; no homozygotes.

Submissions (6):

CeGaT Center for Human Genetics Tuebingen
Classification: Likely benign. Last evaluated: 2026-01-01. Review status: criteria provided, single submitter. Criteria: CeGaT Center For Human Genetics Tuebingen Variant Classification Criteria Version 2. Collection method: clinical testing. Allele origin: germline. Affected: yes. Observed: 4 variant alleles.
Comment: ATR: BP4, BP7

Labcorp Genetics (formerly Invitae), Labcorp
Classification: Likely benign. Last evaluated: 2025-11-20. Review status: criteria provided, single submitter. Criteria: Invitae Variant Classification Sherloc (09022015). Collection method: clinical testing. Allele origin: germline.

Blueprint Genetics
Classification: Likely benign. Last evaluated: 2024-11-26. Review status: criteria provided, single submitter. Criteria: ACMG Guidelines, 2015. Collection method: clinical testing. Allele origin: germline.

Ambry Genetics
Classification: Likely benign for Inborn genetic diseases. Last evaluated: 2022-02-20. Review status: criteria provided, single submitter. Criteria: Ambry Variant Classification Scheme 2023. Collection method: clinical testing. Allele origin: germline.

Illumina Laboratory Services, Illumina
Classification: Uncertain significance for Seckel syndrome 1. Last evaluated: 2018-01-12. Review status: criteria provided, single submitter. Criteria: ICSL Variant Classification Criteria 13 December 2019. Collection method: clinical testing. Allele origin: germline.

GeneDx
Classification: Likely benign. Last evaluated: 2016-12-09. Review status: criteria provided, single submitter. Criteria: GeneDx Variant Classification (06012015). Collection method: clinical testing. Allele origin: germline. Affected: yes.
Comment: This variant is considered likely benign or benign based on one or more of the following criteria: it is a conservative change, it occurs at a poorly conserved position in the protein, it is predicted to be benign by multiple in silico algorithms, and/or has population frequency not consistent with disease.